The following is an entry in ClinVar:

ClinVar aggregate classification (germline): Uncertain significance (1 of 4 stars; one submission).

Conditions:
Fanconi anemia (FA). Also called: Fanconi's anemia. Identifiers: Orphanet 84, MedGen C0015625, MeSH D005199, MONDO:0019391.

gnomAD v4.1: 10 of 1,613,768 alleles (0.00062%); highest among the groups gnomAD compares: Non-Finnish European, 0.00085%; no homozygotes.

Submission:

Sema4
Classification: Uncertain significance for Fanconi anemia. Last evaluated: 2021-11-15. Review status: criteria provided, single submitter. Criteria: Sema4 Curation Guidelines. Collection method: curation. Allele origin: germline.
Comment: The FANCD2 c.2803A>G (p.I935V) variant has not been reported in the literature to our knowledge. It was observed in 3/113670 chromosomes of the Non-Finnish European subpopulation in the large and broad cohorts of the Genome Aggregation Database (PMID: 32461654). The variant has not been reported in ClinVar. In silico tools suggest the impact of the variant on protein function is benign, though these predictions have not been confirmed by functional studies. The evidence is insufficient to meet ACMG/AMP criteria for classifying the variant as benign or pathogenic. Thus, the clinical significance of this variant is currently uncertain.

NM_001018115.3(FANCD2):c.2803A>G (p.Ile935Val)

Genes: FANCD2 (FA complementation group D2; plus strand), LOC107303338 (3p25 FANCD2 Alu-mediated recombination region; plus strand). Cytogenetic location: 3p25.3.
Variant type: single nucleotide variant.
Coding change: c.2803A>G on transcript NM_001018115.3 (MANE Select); coding-DNA position 2803, A replaced by G.
Protein change: p.Ile935Val; replaces isoleucine 935 with valine.
Molecular consequence: missense variant.
Genome position (GRCh38, 1-based): chr3:10,074,617, A>G. VCF-style: chr3-10074617-A-G. GRCh37 (hg19) VCF-style: chr3-10116301-A-G.
Other names: c.2803A>G, p.Ile935Val (NM_001319984.2, NM_001374254.1, NM_033084.6); c.2692A>G, p.Ile898Val (NM_001374253.1); short protein forms I898V, I935V.
Identifiers: ClinVar variation 1692045 (VCV001692045.1), dbSNP rs61751578, ClinGen allele CA2250192.